The following is an entry in ClinVar:

ClinVar aggregate classification (germline): Pathogenic (1 of 4 stars; one submission).

Submission:

Labcorp Genetics (formerly Invitae), Labcorp
Classification: Pathogenic. Last evaluated: 2024-11-04. Review status: criteria provided, single submitter. Criteria: Invitae Variant Classification Sherloc (09022015). Collection method: clinical testing. Allele origin: germline.
Comment: This sequence change creates a premature translational stop signal (p.Thr553Leufs*7) in the KMT2E gene. It is expected to result in an absent or disrupted protein product. Loss-of-function variants in KMT2E are known to be pathogenic (PMID: 31079897). This variant is not present in population databases (gnomAD no frequency). This variant has not been reported in the literature in individuals affected with KMT2E-related conditions. ClinVar contains an entry for this variant (Variation ID: 2734369). For these reasons, this variant has been classified as Pathogenic.

Literature cited by the submitters: PubMed 31079897.

NM_182931.3(KMT2E):c.1657del (p.Thr553fs)

Gene: KMT2E (lysine methyltransferase 2E (inactive); plus strand). Cytogenetic location: 7q22.3.
Variant type: Deletion.
Coding change: c.1657del on transcript NM_182931.3 (MANE Select); coding-DNA position 1657, one base deleted (A; older notation c.1657delA).
Protein change: p.Thr553fs; shifts the reading frame from threonine 553.
Molecular consequence: frameshift variant.
Genome position (GRCh38, 1-based): chr7:105,091,249, A deleted; the last of 6 consecutive A bases (chr7:105,091,244-105,091,249); deleting any one gives the same sequence. VCF-style (leftmost placement, unchanged base first): chr7-105091243-GA-G. GRCh37 (hg19) VCF-style: chr7-104731690-GA-G.
Other names: c.1657del, p.Thr553fs (NM_001410908.1, NM_018682.4); short protein forms T553fs.
Identifiers: ClinVar variation 2734369 (VCV002734369.3), dbSNP rs2536465125, ClinGen allele CA457034796.